The following is an entry in ClinVar:

NM_001378120.1(MBD5):c.997C>T (p.Pro333Ser)

Gene: MBD5 (methyl-CpG binding domain protein 5; plus strand). Cytogenetic location: 2q23.1.
Variant type: single nucleotide variant.
Coding change: c.997C>T on transcript NM_001378120.1 (MANE Select); coding-DNA position 997, C replaced by T.
Protein change: p.Pro333Ser; replaces proline 333 with serine.
Molecular consequence: missense variant.
Genome position (GRCh38, 1-based): chr2:148,468,940, C>T. VCF-style: chr2-148468940-C-T. GRCh37 (hg19) VCF-style: chr2-149226509-C-T.
Other names: c.997C>T, p.Pro333Ser (NM_018328.5); c.997C>T (NM_018328.4); short protein forms P333S.
Identifiers: ClinVar variation 2651406 (VCV002651406.25), dbSNP rs1680687463, ClinGen allele CA348718161.

ClinVar aggregate classification (germline): Uncertain significance. Review status: criteria provided, multiple submitters, no conflicts (2 of 4 stars). 3 submissions from 3 submitters: Uncertain significance (3). Last evaluated 2026-02-03.

Conditions:
MBD5-related disorder. Also called: MBD5-related condition.
Inborn genetic diseases. Identifiers: MedGen C0950123, MeSH D030342.

Allele frequency attached by ClinVar (database versions not stated): gnomAD exomes below 0.00001; TOPMed 0.00001.
gnomAD v4.1: 1 of 1,613,746 alleles (0.000062%); highest among the groups gnomAD compares: African/African-American, 0.0013%; no homozygotes.

Submissions (3):

PreventionGenetics, part of Exact Sciences
Classification: Uncertain significance for MBD5-related condition. Last evaluated: 2026-02-03. Review status: criteria provided, single submitter. Criteria: ACMG Guidelines, 2015. Collection method: clinical testing. Allele origin: germline.
Comment: The MBD5 c.997C>T variant is predicted to result in the amino acid substitution p.Pro333Ser. To our knowledge, this variant has not been reported in the literature or in a large population database (gnomAD), indicating this variant is rare. At this time, the clinical significance of this variant is uncertain due to the absence of conclusive functional and genetic evidence.

Ambry Genetics
Classification: Uncertain significance for Inborn genetic diseases. Last evaluated: 2025-10-07. Review status: criteria provided, single submitter. Criteria: Ambry Variant Classification Scheme 2023. Collection method: clinical testing. Allele origin: germline.

CeGaT Center for Human Genetics Tuebingen
Classification: Uncertain significance. Last evaluated: 2023-08-01. Review status: criteria provided, single submitter. Criteria: CeGaT Center For Human Genetics Tuebingen Variant Classification Criteria Version 2. Collection method: clinical testing. Allele origin: germline. Affected: yes. Observed: 1 variant allele.
Comment: MBD5: PM2, BP4